The following is an entry in ClinVar:

ClinVar aggregate classification (germline): Likely benign (0 of 4 stars; one submission).

Conditions:
PICALM-related disorder. Also called: PICALM-related condition.

Allele frequency attached by ClinVar (database versions not stated): TOPMed 0.00059; gnomAD 0.00060; ESP Exome Variant Server 0.00069; gnomAD exomes 0.00005; 1000 Genomes Project 0.00020; ExAC 0.00021; 1000 Genomes Project 30x 0.00031.
gnomAD v4.1: 159 of 1,610,694 alleles (0.0099%); highest among the groups gnomAD compares: African/African-American, 0.2%; no homozygotes.

Submission:

PreventionGenetics, part of Exact Sciences
Classification: Likely benign for PICALM-related condition. Last evaluated: 2019-03-08. Review status: no assertion criteria provided. Collection method: clinical testing. Allele origin: germline.
Comment: This variant is classified as likely benign based on ACMG/AMP sequence variant interpretation guidelines (Richards et al. 2015 PMID: 25741868, with internal and published modifications).

NM_007166.4(PICALM):c.585T>C (p.Ala195=)

Gene: PICALM (phosphatidylinositol binding clathrin assembly protein; minus strand). Cytogenetic location: 11q14.2.
Variant type: single nucleotide variant.
Coding change: c.585T>C on transcript NM_007166.4 (MANE Select); coding-DNA position 585, T replaced by C.
Protein change: p.Ala195=; no amino-acid change (alanine 195 retained).
Molecular consequence: synonymous variant.
Genome position (GRCh38, 1-based): chr11:86,012,354, A>G on the plus strand (T>C on the coding strand, the complement: PICALM is on the minus strand). VCF-style: chr11-86012354-A-G. GRCh37 (hg19) VCF-style: chr11-85723397-A-G.
Other names: c.585T>C, p.Ala195= (NM_001008660.3, NM_001206946.2, NM_001411034.1); c.432T>C, p.Ala144= (NM_001206947.2).
Identifiers: ClinVar variation 3040645 (VCV003040645.2), dbSNP rs149334225, ClinGen allele CA6216063.